The following is an entry in ClinVar:

ClinVar aggregate classification (germline): Uncertain significance (1 of 4 stars; one submission).

Conditions:
Chondrodysplasia punctata, brachytelephalangic, autosomal. Also called: BRACHYTELEPHALANGIC CHONDRODYSPLASIA PUNCTATA. Identifiers: MedGen C1844853, MONDO:0011238, OMIM 602497.

Allele frequency attached by ClinVar (database versions not stated): TOPMed below 0.00001; ExAC 0.00004; gnomAD exomes 0.00010.
gnomAD v4.1: 100 of 1,211,268 alleles (0.0083%); highest among the groups gnomAD compares: Non-Finnish European, 0.011%; no homozygotes.

Submission:

Labcorp Genetics (formerly Invitae), Labcorp
Classification: Uncertain significance for Chondrodysplasia punctata, brachytelephalangic, autosomal. Last evaluated: 2022-10-05. Review status: criteria provided, single submitter. Criteria: Invitae Variant Classification Sherloc (09022015). Collection method: clinical testing. Allele origin: germline.
Comment: This sequence change replaces valine, which is neutral and non-polar, with methionine, which is neutral and non-polar, at codon 545 of the ARSE protein (p.Val545Met). The frequency data for this variant in the population databases is considered unreliable, as metrics indicate poor data quality at this position in the gnomAD database. This variant has not been reported in the literature in individuals affected with ARSE-related conditions. Advanced modeling of protein sequence and biophysical properties (such as structural, functional, and spatial information, amino acid conservation, physicochemical variation, residue mobility, and thermodynamic stability) has been performed at Invitae for this missense variant, however the output from this modeling did not meet the statistical confidence thresholds required to predict the impact of this variant on ARSE protein function. In summary, the available evidence is currently insufficient to determine the role of this variant in disease. Therefore, it has been classified as a Variant of Uncertain Significance.

NM_000047.3(ARSL):c.1633G>A (p.Val545Met)

Gene: ARSL (arylsulfatase L; minus strand). Cytogenetic location: Xp22.33.
Variant type: single nucleotide variant.
Coding change: c.1633G>A on transcript NM_000047.3 (MANE Select); coding-DNA position 1633, G replaced by A.
Protein change: p.Val545Met; replaces valine 545 with methionine.
Molecular consequence: missense variant.
Genome position (GRCh38, 1-based): chrX:2,934,969, C>T on the plus strand (G>A on the coding strand, the complement: ARSL is on the minus strand). VCF-style: chrX-2934969-C-T. GRCh37 (hg19) VCF-style: chrX-2853010-C-T.
Other names: c.1708G>A, p.Val570Met (NM_001282628.2, NM_001369080.1); c.1471G>A, p.Val491Met (NM_001282631.2); c.1660G>A, p.Val554Met (NM_001369079.1); short protein forms V545M, V570M, V491M, V554M.
Identifiers: ClinVar variation 2195274 (VCV002195274.1), dbSNP rs752401423, ClinGen allele CA10337977.
Genomic context (GRCh38, chrX:2,934,969, plus strand): 5'-TGTTGCCCAGCCTGTCCAGCTGCAGAGGAACTGGGCTGAGTGTCCGCTGGTGTTCCCACA[C>T]CGCCTGCTGGACTCGTTCCATCACCTGATAGAACACGGGCTCTGAGGCTGGTGTGAGGAT-3'
Protein context (NP_000038.2, residues 535-555): YQVMERVQQA[Val545Met]WEHQRTLSPV